The following is an entry in ClinVar:

ClinVar aggregate classification (germline): Conflicting classifications of pathogenicity. Review status: criteria provided, conflicting classifications (1 of 4 stars). 3 submissions from 3 submitters: Uncertain significance (2); Likely benign (1). Last evaluated 2024-02-01.

Conditions:
Congenital microvillous atrophy (DIAR2). Also called: CONGENITAL FAMILIAL PROTRACTED DIARRHEA WITH ENTEROCYTE BRUSH-BORDER ABNORMALITIES; MICROVILLUS ATROPHY, CONGENITAL; Microvillus inclusion disease; DAVIDSON DISEASE; Diarrhea 2 with microvillus atrophy, with or without cholestasis. Identifiers: Orphanet 2290, MedGen C0341306, MONDO:0009635, OMIM 251850.

Allele frequency attached by ClinVar (database versions not stated): TOPMed below 0.00001; gnomAD exomes 0.00002 and 0.00003; ExAC 0.00003.
gnomAD v4.1: 27 of 1,614,018 alleles (0.0017%); highest among the groups gnomAD compares: South Asian, 0.013%; no homozygotes.

Submissions (3):

Neuberg Centre For Genomic Medicine, NCGM
Classification: Uncertain significance for Congenital microvillous atrophy. Last evaluated: 2024-02-01. Review status: criteria provided, single submitter. Criteria: ACMG Guidelines, 2015. Collection method: clinical testing. Allele origin: germline. Inheritance: Autosomal recessive inheritance.
Comment: The above variant has not been reported previously as a pathogenic variant nor as a benign variant, to our knowledge. In the absence of another reportable variant in MYO5B gene, the molecular diagnosis not confirmed.

Labcorp Genetics (formerly Invitae), Labcorp
Classification: Uncertain significance. Last evaluated: 2022-09-13. Review status: criteria provided, single submitter. Criteria: Invitae Variant Classification Sherloc (09022015). Collection method: clinical testing. Allele origin: germline.
Comment: In summary, the available evidence is currently insufficient to determine the role of this variant in disease. Therefore, it has been classified as a Variant of Uncertain Significance. Variants that disrupt the consensus splice site are a relatively common cause of aberrant splicing (PMID: 17576681, 9536098). Algorithms developed to predict the effect of sequence changes on RNA splicing suggest that this variant is not likely to affect RNA splicing. ClinVar contains an entry for this variant (Variation ID: 1483360). This variant has not been reported in the literature in individuals affected with MYO5B-related conditions. This variant is present in population databases (rs764494398, gnomAD 0.02%). This sequence change falls in intron 26 of the MYO5B gene. It does not directly change the encoded amino acid sequence of the MYO5B protein. It affects a nucleotide within the consensus splice site.

Blueprint Genetics
Classification: Likely benign. Last evaluated: 2021-11-12. Review status: criteria provided, single submitter. Criteria: ACMG Guidelines, 2015. Collection method: clinical testing. Allele origin: germline.

Literature cited by the submitters: PubMed 17576681 (cited by Labcorp Genetics (formerly Invitae), Labcorp); PubMed 9536098 (cited by Labcorp Genetics (formerly Invitae), Labcorp).

NM_001080467.3(MYO5B):c.3537+4C>T

Gene: MYO5B (myosin VB; minus strand). Cytogenetic location: 18q21.1.
Variant type: single nucleotide variant.
Coding change: c.3537+4C>T on transcript NM_001080467.3 (MANE Select); 4 bases into the intron after coding-DNA position 3537, C replaced by T.
Molecular consequence: intron variant.
Genome position (GRCh38, 1-based): chr18:49,875,683, G>A on the plus strand (C>T on the coding strand, the complement: MYO5B is on the minus strand). VCF-style: chr18-49875683-G-A. GRCh37 (hg19) VCF-style: chr18-47402053-G-A.
Identifiers: ClinVar variation 1483360 (VCV001483360.8), dbSNP rs764494398, ClinGen allele CA8960698.